The following is an entry in ClinVar:

ClinVar aggregate classification (germline): Uncertain significance (1 of 4 stars; one submission).

Conditions:
Primary ciliary dyskinesia. Also called: Ciliary dyskinesia. Identifiers: Orphanet 244, MedGen C0008780, MONDO:0016575, HP:0012265.

Submission:

Department of Human Genetics, Hannover Medical School
Classification: Uncertain significance for Primary Ciliary Dyskinesia. Last evaluated: 2026-04-01. Review status: criteria provided, single submitter. Criteria: ACMG Guidelines, 2015. Collection method: research. Allele origin: germline. Affected: no.
Comment: Classification performed by HerediClassify using the following criteria:['PM2_supporting: Variant occures does not occur as homozygous in gnomAD.', 'PVS1_protein_strong: Transcript ENST00000367109 is not predicted to undergo NMD. Protein length change of 0.3537414965986394 observed.']

NM_003582.4(DYRK3):c.1052_1055del (p.Thr351fs)

Gene: DYRK3 (dual specificity tyrosine phosphorylation regulated kinase 3; plus strand). Cytogenetic location: 1q32.1.
Variant type: Deletion.
Coding change: c.1052_1055del on transcript NM_003582.4 (MANE Select); coding-DNA positions 1052 to 1055, 4 bases deleted (CCAA; older notation c.1052_1055delCCAA).
Protein change: p.Thr351fs; shifts the reading frame from threonine 351.
Molecular consequence: frameshift variant.
Genome position (GRCh38, 1-based): chr1:206,648,250-206,648,253, CCAA deleted; deleting any 4 consecutive bases within chr1:206,648,247-206,648,253 gives the same sequence; the c. name uses the placement nearest the transcript's 3' end. VCF-style (leftmost placement, unchanged base first): chr1-206648246-TCAAC-T. GRCh37 (hg19) VCF-style: chr1-206821591-TCAAC-T.
Other names: c.992_995del, p.Thr331fs (NM_001004023.3); short protein forms T331fs, T351fs.
Identifiers: ClinVar variation 4880103 (VCV004880103.1).